The following is an entry in ClinVar:

ClinVar aggregate classification (germline): Uncertain significance (1 of 4 stars; one submission).

Conditions:
Meckel-Gruber syndrome. Also called: DYSENCEPHALIA SPLANCHNOCYSTICA; GRUBER SYNDROME; Dysencephalia splachnocystica. Identifiers: Orphanet 564, MedGen C0265215, MONDO:0018921.
Joubert syndrome. Also called: CEREBELLOPARENCHYMAL DISORDER IV; JOUBERT-BOLTSHAUSER SYNDROME; Familial aplasia of the vermis. Identifiers: Orphanet 475, MedGen C5979921, MONDO:0018772.

Allele frequency attached by ClinVar (database versions not stated): TOPMed below 0.00001; gnomAD 0.00001.
gnomAD v4.1: 4 of 1,614,038 alleles (0.00025%); highest among the groups gnomAD compares: Admixed American, 0.0017%; no homozygotes.

Submission:

Labcorp Genetics (formerly Invitae), Labcorp
Classification: Uncertain significance for Joubert syndrome; Meckel-Gruber syndrome. Last evaluated: 2023-08-24. Review status: criteria provided, single submitter. Criteria: Invitae Variant Classification Sherloc (09022015). Collection method: clinical testing. Allele origin: germline.
Comment: ClinVar contains an entry for this variant (Variation ID: 1523645). In summary, the available evidence is currently insufficient to determine the role of this variant in disease. Therefore, it has been classified as a Variant of Uncertain Significance. Advanced modeling of protein sequence and biophysical properties (such as structural, functional, and spatial information, amino acid conservation, physicochemical variation, residue mobility, and thermodynamic stability) performed at Invitae indicates that this missense variant is not expected to disrupt RPGRIP1L protein function. This variant has not been reported in the literature in individuals affected with RPGRIP1L-related conditions. This variant is not present in population databases (gnomAD no frequency). This sequence change replaces lysine, which is basic and polar, with arginine, which is basic and polar, at codon 699 of the RPGRIP1L protein (p.Lys699Arg).

NM_015272.5(RPGRIP1L):c.2096A>G (p.Lys699Arg)

Gene: RPGRIP1L (RPGRIP1 like; minus strand). Cytogenetic location: 16q12.2.
Variant type: single nucleotide variant.
Coding change: c.2096A>G on transcript NM_015272.5 (MANE Select); coding-DNA position 2096, A replaced by G.
Protein change: p.Lys699Arg; replaces lysine 699 with arginine.
Molecular consequence: missense variant.
Genome position (GRCh38, 1-based): chr16:53,652,591, T>C on the plus strand (A>G on the coding strand, the complement: RPGRIP1L is on the minus strand). VCF-style: chr16-53652591-T-C. GRCh37 (hg19) VCF-style: chr16-53686503-T-C.
Other names: c.2096A>G, p.Lys699Arg (NM_001127897.4, NM_001308334.3, NM_001330538.2); short protein forms K699R.
Identifiers: ClinVar variation 1523645 (VCV001523645.8), dbSNP rs764289143, ClinGen allele CA395916655.
Genomic context (GRCh38, chr16:53,652,591, plus strand): 5'-TTACCAATCAAACTTGCTGTACAAAATATTCGGCCGCTTTTTTCAAGAATTTCGTGAAAT[T>C]TTAATTGACATGCTGCAATTGTTTCATATTCTGTGCTATAAGCCTGGTGGACCTCAAGGG-3'
Protein context (NP_056087.2, residues 689-709): EYETIAACQL[Lys699Arg]FHEILEKSGR